The following is an entry in ClinVar:

ClinVar aggregate classification (germline): Conflicting classifications of pathogenicity. Review status: criteria provided, conflicting classifications (1 of 4 stars). 5 submissions from 5 submitters: Uncertain significance (3); Likely benign (1). 1 of the submissions does not count toward it. Last evaluated 2025-12-13.

Conditions:
Primary ciliary dyskinesia 3. Identifiers: Orphanet 244, MedGen C1837618, MONDO:0012085, OMIM 608644.
Primary ciliary dyskinesia. Also called: Ciliary dyskinesia. Identifiers: Orphanet 244, MedGen C0008780, MONDO:0016575, HP:0012265.

Allele frequency attached by ClinVar (database versions not stated): gnomAD 0.00003; ExAC 0.00004; TOPMed 0.00011.
gnomAD v4.1: 73 of 1,613,678 alleles (0.0045%); highest among the groups gnomAD compares: Middle Eastern, 0.016%; no homozygotes.

Submissions (5):

Labcorp Genetics (formerly Invitae), Labcorp
Classification: Likely benign for Primary ciliary dyskinesia. Last evaluated: 2025-12-13. Review status: criteria provided, single submitter. Criteria: Invitae Variant Classification Sherloc (09022015). Collection method: clinical testing. Allele origin: germline.

Ambry Genetics
Classification: Uncertain significance for Primary ciliary dyskinesia. Last evaluated: 2024-08-31. Review status: criteria provided, single submitter. Criteria: Ambry Variant Classification Scheme 2023. Collection method: clinical testing. Allele origin: germline.
Comment: The p.S604P variant (also known as c.1810T>C), located in coding exon 14 of the DNAH5 gene, results from a T to C substitution at nucleotide position 1810. The serine at codon 604 is replaced by proline, an amino acid with similar properties. This amino acid position is conserved. In addition, the in silico prediction for this alteration is inconclusive. Since supporting evidence is limited at this time, the clinical significance of this alteration remains unclear.

GeneDx
Classification: Uncertain significance. Last evaluated: 2023-07-11. Review status: criteria provided, single submitter. Criteria: GeneDx Variant Classification Process June 2021. Collection method: clinical testing. Allele origin: germline. Affected: yes.
Comment: In silico analysis supports that this missense variant does not alter protein structure/function; Has not been previously published as pathogenic or benign to our knowledge

Juno Genomics, Hangzhou Juno Genomics, Inc
Classification: Uncertain significance for Primary ciliary dyskinesia 3. Review status: criteria provided, single submitter. Criteria: ACMG Guidelines, 2015. Collection method: clinical testing. Allele origin: germline.
Comment: Absent from controls (or at extremely low frequency if recessive) in Genome Aggregation Database.;Multiple lines of computational evidence suggest no impact on gene or gene product.

Natera, Inc.
Classification: Uncertain significance for Primary ciliary dyskinesia. Last evaluated: 2020-09-16. Review status: no assertion criteria provided. Collection method: clinical testing. Allele origin: germline. Not counted in ClinVar's aggregate classification.

NM_001369.3(DNAH5):c.1810T>C (p.Ser604Pro)

Gene: DNAH5 (dynein axonemal heavy chain 5; minus strand). Cytogenetic location: 5p15.2.
Variant type: single nucleotide variant.
Coding change: c.1810T>C on transcript NM_001369.3 (MANE Select); coding-DNA position 1810, T replaced by C.
Protein change: p.Ser604Pro; replaces serine 604 with proline.
Molecular consequence: missense variant.
Genome position (GRCh38, 1-based): chr5:13,901,494, A>G on the plus strand (T>C on the coding strand, the complement: DNAH5 is on the minus strand). VCF-style: chr5-13901494-A-G. GRCh37 (hg19) VCF-style: chr5-13901603-A-G.
Other names: short protein forms S604P.
Identifiers: ClinVar variation 858511 (VCV000858511.13), dbSNP rs769275003, ClinGen allele CA3204739.